The following is an entry in ClinVar:

ClinVar aggregate classification (germline): Pathogenic. Review status: criteria provided, single submitter (1 of 4 stars). 2 submissions from 2 submitters: Pathogenic (1). 1 of the submissions does not count toward it. Last evaluated 2025-02-03.

Conditions:
Microcephaly. Also called: Microcephaly (disease). Identifiers: MedGen C4551563, MONDO:0001149, HP:0000252.

Submissions (2):

GeneDx
Classification: Pathogenic. Last evaluated: 2025-02-03. Review status: criteria provided, single submitter. Criteria: GeneDx Variant Classification Process June 2021. Collection method: clinical testing. Allele origin: germline.
Comment: Not observed at significant frequency in large population cohorts (gnomAD); In silico analysis supports that this missense variant has a deleterious effect on protein structure/function; This variant is associated with the following publications: (PMID: 33584783)

Department of Pediatrics, Samsung Medical Center, Samsung Medical Center
Classification: Uncertain significance for Microcephaly. Review status: no assertion criteria provided. Criteria: ACMG Guidelines, 2015. Collection method: research. Allele origin: germline. Affected: yes. Not counted in ClinVar's aggregate classification.

NM_005573.4(LMNB1):c.1091T>C (p.Leu364Pro)

Gene: LMNB1 (lamin B1; plus strand). Cytogenetic location: 5q23.2.
Variant type: single nucleotide variant.
Coding change: c.1091T>C on transcript NM_005573.4 (MANE Select); coding-DNA position 1091, T replaced by C.
Protein change: p.Leu364Pro; replaces leucine 364 with proline.
Molecular consequence: missense variant. On other transcripts: non-coding transcript variant (1).
Genome position (GRCh38, 1-based): chr5:126,819,073, T>C. VCF-style: chr5-126819073-T-C. GRCh37 (hg19) VCF-style: chr5-126154765-T-C.
Other names: c.461T>C, p.Leu154Pro (NM_001198557.2); short protein forms L364P, L154P.
Identifiers: ClinVar variation 813713 (VCV000813713.3), dbSNP rs1751797979, ClinGen allele CA360726184.